The following is an entry in ClinVar:

NM_152564.5(VPS13B):c.10643C>T (p.Thr3548Ile)

Gene: VPS13B (vacuolar protein sorting 13 homolog B; plus strand). Cytogenetic location: 8q22.2.
Variant type: single nucleotide variant.
Coding change: c.10643C>T on transcript NM_152564.5 (MANE Select); coding-DNA position 10643, C replaced by T.
Protein change: p.Thr3548Ile; replaces threonine 3548 with isoleucine.
Molecular consequence: missense variant.
Genome position (GRCh38, 1-based): chr8:99,854,032, C>T. VCF-style: chr8-99854032-C-T. GRCh37 (hg19) VCF-style: chr8-100866260-C-T.
Other names: c.10643C>T (NM_152564.4); c.10718C>T, p.Thr3573Ile (NM_017890.5); short protein forms T3548I, T3573I.
Identifiers: ClinVar variation 588894 (VCV000588894.15), dbSNP rs750693109, ClinGen allele CA4824989.
Genomic context (GRCh38, chr8:99,854,032, plus strand): 5'-GGTTGGCTGGTCACTCCACACACCTCTCCGGGGGTAAACAGGTGTTGCCCATGCAGGTCA[C>T]ACAGCACGCCAGGGCCTTGGTGAATCCTGTGAAGTTACGGAAACTGGTGATCCAGCCAGT-3'
Protein context (NP_689777.3, residues 3538-3558): GGKQVLPMQV[Thr3548Ile]QHARALVNPV

ClinVar aggregate classification (germline): Conflicting classifications of pathogenicity. Review status: criteria provided, conflicting classifications (1 of 4 stars). 5 submissions from 5 submitters: Uncertain significance (2); Likely benign (1). 2 of the submissions do not count toward it. Last evaluated 2025-06-06.

Conditions:
Inborn genetic diseases. Identifiers: MedGen C0950123, MeSH D030342.
VPS13B-related disorder. Also called: VPS13B-related condition.
Cohen syndrome (COH1). Also called: PEPPER SYNDROME; Cutis verticis gyrata, retinitis pigmentosa, and sensorineural deafness. Identifiers: Orphanet 193, MedGen C0265223, MONDO:0008999, OMIM 216550.

Allele frequency attached by ClinVar (database versions not stated): gnomAD exomes 0.00001 and 0.00006; gnomAD 0.00003; TOPMed 0.00003; ExAC 0.00004.
gnomAD v4.1: 24 of 1,614,084 alleles (0.0015%); highest among the groups gnomAD compares: East Asian, 0.051%; no homozygotes.

Submissions (5):

Ambry Genetics
Classification: Likely benign for Inborn genetic diseases. Last evaluated: 2025-06-06. Review status: criteria provided, single submitter. Criteria: Ambry Variant Classification Scheme 2023. Collection method: clinical testing. Allele origin: germline.

Labcorp Genetics (formerly Invitae), Labcorp
Classification: Uncertain significance for Cohen syndrome. Last evaluated: 2024-12-03. Review status: criteria provided, single submitter. Criteria: Invitae Variant Classification Sherloc (09022015). Collection method: clinical testing. Allele origin: germline.
Comment: This sequence change replaces threonine, which is neutral and polar, with isoleucine, which is neutral and non-polar, at codon 3573 of the VPS13B protein (p.Thr3573Ile). This variant is present in population databases (rs750693109, gnomAD 0.09%). This variant has not been reported in the literature in individuals affected with VPS13B-related conditions. ClinVar contains an entry for this variant (Variation ID: 588894). Invitae Evidence Modeling of protein sequence and biophysical properties (such as structural, functional, and spatial information, amino acid conservation, physicochemical variation, residue mobility, and thermodynamic stability) indicates that this missense variant is not expected to disrupt VPS13B protein function with a negative predictive value of 80%. In summary, the available evidence is currently insufficient to determine the role of this variant in disease. Therefore, it has been classified as a Variant of Uncertain Significance.

GeneDx
Classification: Uncertain significance. Last evaluated: 2024-06-08. Review status: criteria provided, single submitter. Criteria: GeneDx Variant Classification Process June 2021. Collection method: clinical testing. Allele origin: germline. Affected: yes.
Comment: Identified with a second VPS13B variant, phase unknown, in an individual in the published literature, however, the patient's phenotype is noted to only be partly consistent with Cohen syndrome, and additional detailed clinical information was not provided (PMID: 30968598); In silico analysis indicates that this missense variant does not alter protein structure/function; This variant is associated with the following publications: (PMID: 30968598)

PreventionGenetics, part of Exact Sciences
Classification: Uncertain significance for VPS13B-related condition. Last evaluated: 2024-06-12. Review status: no assertion criteria provided. Collection method: clinical testing. Allele origin: germline. Not counted in ClinVar's aggregate classification.
Comment: The VPS13B c.10643C>T variant is predicted to result in the amino acid substitution p.Thr3548Ile. To our knowledge, this variant has not been reported in the literature. This variant is reported in 0.085% of alleles in individuals of East Asian descent in gnomAD. Although we suspect that this variant may be benign, the clinical significance of this variant is classified as uncertain at this time due to insufficient functional and genetic evidence.

Natera, Inc.
Classification: Uncertain significance for Cohen syndrome. Last evaluated: 2020-02-11. Review status: no assertion criteria provided. Collection method: clinical testing. Allele origin: germline. Not counted in ClinVar's aggregate classification.